The following is an entry in ClinVar:

NM_006922.4(SCN3A):c.4239+6T>A

Gene: SCN3A (sodium voltage-gated channel alpha subunit 3; minus strand). Cytogenetic location: 2q24.3.
Variant type: single nucleotide variant.
Coding change: c.4239+6T>A on transcript NM_006922.4 (MANE Select); 6 bases into the intron after coding-DNA position 4239, T replaced by A.
Molecular consequence: intron variant.
Genome position (GRCh38, 1-based): chr2:165,097,246, A>T on the plus strand (T>A on the coding strand, the complement: SCN3A is on the minus strand). VCF-style: chr2-165097246-A-T. GRCh37 (hg19) VCF-style: chr2-165953756-A-T.
Other names: c.4092+6T>A (NM_001081676.2, NM_001081677.2).
Identifiers: ClinVar variation 2497852 (VCV002497852.2), dbSNP rs199549688, ClinGen allele CA2580064207.

ClinVar aggregate classification (germline): Uncertain significance. Review status: criteria provided, multiple submitters, no conflicts (2 of 4 stars). 2 submissions from 2 submitters: Uncertain significance (2). Last evaluated 2025-10-09.

Submissions (2):

Labcorp Genetics (formerly Invitae), Labcorp
Classification: Uncertain significance. Last evaluated: 2025-10-09. Review status: criteria provided, single submitter. Criteria: Invitae Variant Classification Sherloc (09022015). Collection method: clinical testing. Allele origin: germline.
Comment: This sequence change falls in intron 23 of the SCN3A gene. It does not directly change the encoded amino acid sequence of the SCN3A protein. It affects a nucleotide within the consensus splice site. This variant is not present in population databases (gnomAD no frequency). This variant has not been reported in the literature in individuals affected with SCN3A-related conditions. ClinVar contains an entry for this variant (Variation ID: 2497852). Variants that disrupt the consensus splice site are a relatively common cause of aberrant splicing (PMID: 17576681, 9536098). Algorithms developed to predict the effect of sequence changes on RNA splicing suggest that this variant may disrupt the consensus splice site. In summary, the available evidence is currently insufficient to determine the role of this variant in disease. Therefore, it has been classified as a Variant of Uncertain Significance.

GeneDx
Classification: Uncertain significance. Last evaluated: 2022-10-07. Review status: criteria provided, single submitter. Criteria: GeneDx Variant Classification Process June 2021. Collection method: clinical testing. Allele origin: germline. Affected: yes.
Comment: Not observed at significant frequency in large population cohorts (gnomAD); In silico analysis supports that this variant does not alter splicing; Has not been previously published as pathogenic or benign to our knowledge

Literature cited by the submitters: PubMed 17576681 (cited by Labcorp Genetics (formerly Invitae), Labcorp); PubMed 9536098 (cited by Labcorp Genetics (formerly Invitae), Labcorp).